The following is an entry in ClinVar:

NC_000011.10:g.(?_532616)_(534342_?)dup

Gene: HRAS (HRas proto-oncogene, GTPase; minus strand). Cytogenetic location: 11p15.5.
Variant type: Duplication.
Identifiers: ClinVar variation 831988 (VCV000831988.1).

ClinVar aggregate classification (germline): Uncertain significance (1 of 4 stars; one submission).

Conditions:
Costello syndrome (CSTLO). Also called: HRAS-Related Costello Syndrome; FACIOCUTANEOSKELETAL SYNDROME; FCS SYNDROME. Identifiers: Orphanet 3071, MedGen C0587248, MONDO:0009026, OMIM 218040.

Submission:

Labcorp Genetics (formerly Invitae), Labcorp
Classification: Uncertain significance for Costello syndrome. Last evaluated: 2019-07-25. Review status: criteria provided, single submitter. Criteria: Invitae Variant Classification Sherloc (09022015). Collection method: clinical testing. Allele origin: germline.
Comment: This variant results in a copy number gain of the genomic region encompassing the full coding sequence of the HRAS gene. The boundaries of this event are unknown as they extend beyond the assayed region for this gene and therefore may encompass additional genes. As the precise location of this event is unknown, it may be in tandem or it may be located elsewhere in the genome. This variant has been observed in one or more individuals who were not affected with HRAS-related disease (Invitae). In summary, the available evidence is currently insufficient to determine the role of this variant in disease. Therefore, it has been classified as a Variant of Uncertain Significance.